The following is an entry in ClinVar:

ClinVar aggregate classification (germline): Uncertain significance (1 of 4 stars; one submission).

Conditions:
Hereditary cancer-predisposing syndrome. Also called: Neoplastic Syndromes, Hereditary; Tumor predisposition; Hereditary Cancer Syndrome; Hereditary neoplastic syndrome. Identifiers: Orphanet 140162, MedGen C0027672, MeSH D009386, MONDO:0015356.

Submission:

Ambry Genetics
Classification: Uncertain significance for Hereditary cancer-predisposing syndrome. Last evaluated: 2026-06-01. Review status: criteria provided, single submitter. Criteria: Ambry Variant Classification Scheme 2023. Collection method: clinical testing. Allele origin: germline.
Comment: The p.R208P variant (also known as c.623G>C), located in coding exon 3 of the SMARCA4 gene, results from a G to C substitution at nucleotide position 623. The arginine at codon 208 is replaced by proline, an amino acid with dissimilar properties. This amino acid position is conserved. In addition, this alteration is predicted to be deleterious by in silico analysis. Based on the available evidence, the clinical significance of this variant remains unclear.

NM_003072.5(SMARCA4):c.623G>C (p.Arg208Pro)

Gene: SMARCA4 (SWI/SNF related BAF chromatin remodeling complex subunit ATPase 4; plus strand). Cytogenetic location: 19p13.2.
Variant type: single nucleotide variant.
Coding change: c.623G>C on transcript NM_003072.5 (MANE Select); coding-DNA position 623, G replaced by C.
Protein change: p.Arg208Pro; replaces arginine 208 with proline.
Molecular consequence: missense variant. On other transcripts: non-coding transcript variant (1).
Genome position (GRCh38, 1-based): chr19:10,986,456, G>C. VCF-style: chr19-10986456-G-C. GRCh37 (hg19) VCF-style: chr19-11097132-G-C.
Other names: c.623G>C, p.Arg208Pro (NM_001128844.3, NM_001128845.2, NM_001128846.2 and 6 more transcripts); short protein forms R208P.
Identifiers: ClinVar variation 4864798 (VCV004864798.1).